The following is an entry in ClinVar:

NM_006231.4(POLE):c.863C>T (p.Ala288Val)

Gene: POLE (DNA polymerase epsilon, catalytic subunit; minus strand). Cytogenetic location: 12q24.33.
Variant type: single nucleotide variant.
Coding change: c.863C>T on transcript NM_006231.4 (MANE Select); coding-DNA position 863, C replaced by T.
Protein change: p.Ala288Val; replaces alanine 288 with valine.
Molecular consequence: missense variant.
Genome position (GRCh38, 1-based): chr12:132,676,592, G>A on the plus strand (C>T on the coding strand, the complement: POLE is on the minus strand). VCF-style: chr12-132676592-G-A. GRCh37 (hg19) VCF-style: chr12-133253178-G-A.
Other names: short protein forms A288V.
Identifiers: ClinVar variation 3649123 (VCV003649123.2).

ClinVar aggregate classification (germline): Uncertain significance (1 of 4 stars; one submission).

Submission:

Labcorp Genetics (formerly Invitae), Labcorp
Classification: Uncertain significance. Last evaluated: 2024-04-08. Review status: criteria provided, single submitter. Criteria: Invitae Variant Classification Sherloc (09022015). Collection method: clinical testing. Allele origin: germline.
Comment: This sequence change replaces alanine, which is neutral and non-polar, with valine, which is neutral and non-polar, at codon 288 of the POLE protein (p.Ala288Val). This variant is not present in population databases (gnomAD no frequency). This variant has not been reported in the literature in individuals affected with POLE-related conditions. Advanced modeling of protein sequence and biophysical properties (such as structural, functional, and spatial information, amino acid conservation, physicochemical variation, residue mobility, and thermodynamic stability) performed at Invitae indicates that this missense variant is not expected to disrupt POLE protein function with a negative predictive value of 80%. In summary, the available evidence is currently insufficient to determine the role of this variant in disease. Therefore, it has been classified as a Variant of Uncertain Significance.